The following is an entry in ClinVar:

ClinVar aggregate classification (germline): Uncertain significance (1 of 4 stars; one submission).

Allele frequency attached by ClinVar (database versions not stated): TOPMed below 0.00001; gnomAD 0.00001.
gnomAD v4.1: 1 of 1,614,036 alleles (0.000062%); highest among the groups gnomAD compares: Non-Finnish European, 0.000085%; no homozygotes.

Submission:

Labcorp Genetics (formerly Invitae), Labcorp
Classification: Uncertain significance. Last evaluated: 2022-02-05. Review status: criteria provided, single submitter. Criteria: Invitae Variant Classification Sherloc (09022015). Collection method: clinical testing. Allele origin: germline.
Comment: In summary, the available evidence is currently insufficient to determine the role of this variant in disease. Therefore, it has been classified as a Variant of Uncertain Significance. Algorithms developed to predict the effect of missense changes on protein structure and function are either unavailable or do not agree on the potential impact of this missense change (SIFT: "Deleterious"; PolyPhen-2: "Not Available"; Align-GVGD: "Class C0"). This variant has not been reported in the literature in individuals affected with CLTC-related conditions. This variant is present in population databases (no rsID available, gnomAD 0.007%). This sequence change replaces glutamic acid, which is acidic and polar, with glycine, which is neutral and non-polar, at codon 366 of the CLTC protein (p.Glu366Gly).

NM_004859.4(CLTC):c.1085A>G (p.Glu362Gly)

Gene: CLTC (clathrin heavy chain; plus strand). Cytogenetic location: 17q23.1.
Variant type: single nucleotide variant.
Coding change: c.1085A>G on transcript NM_004859.4 (MANE Select); coding-DNA position 1085, A replaced by G.
Protein change: p.Glu362Gly; replaces glutamic acid 362 with glycine.
Molecular consequence: missense variant.
Genome position (GRCh38, 1-based): chr17:59,660,506, A>G. VCF-style: chr17-59660506-A-G. GRCh37 (hg19) VCF-style: chr17-57737867-A-G.
Other names: c.1097A>G, p.Glu366Gly (NM_001288653.2); short protein forms E362G, E366G.
Identifiers: ClinVar variation 1361134 (VCV001361134.8), dbSNP rs1280430512, ClinGen allele CA400423654.